The following is an entry in ClinVar:

ClinVar aggregate classification (germline): Pathogenic (1 of 4 stars; one submission).

Conditions:
Familial cancer of breast. Also called: Hereditary breast cancer; BREAST CANCER, FAMILIAL; hereditary breast carcinoma. Identifiers: Orphanet 227535, MedGen C0346153, MONDO:0016419, OMIM 114480. Disease mechanism: loss of function.
Fanconi anemia complementation group J. Also called: BRIP1-Related Fanconi Anemia. Identifiers: Orphanet 84, MedGen C1836860, MONDO:0012187, OMIM 609054.

Submission:

Labcorp Genetics (formerly Invitae), Labcorp
Classification: Pathogenic for Familial cancer of breast; Fanconi anemia complementation group J. Last evaluated: 2023-11-07. Review status: criteria provided, single submitter. Criteria: Invitae Variant Classification Sherloc (09022015). Collection method: clinical testing. Allele origin: germline.
Comment: This variant is a gross deletion of the genomic region encompassing exon(s) 11-14 of the BRIP1 gene. This variant would be expected to be in-frame, preserving the integrity of the reading frame. This variant has not been reported in the literature in individuals affected with BRIP1-related conditions. This variant disrupts a region of the BRIP1 protein in which other variant(s) (p.Glu626Asp) have been determined to be pathogenic (PMID: 23285130, 26637282). This suggests that this is a clinically significant region of the protein, and that variants that disrupt it are likely to be disease-causing. For these reasons, this variant has been classified as Pathogenic.

Literature cited by the submitters: PubMed 23285130; PubMed 26637282.

NC_000017.11:g.(?_61776391)_(61784434_?)del

Genes: BRIP1 (BRCA1 interacting DNA helicase 1; minus strand), LOC130061360 (ATAC-STARR-seq lymphoblastoid active region 12535; plus strand). Cytogenetic location: 17q23.2.
Variant type: Deletion.
Identifiers: ClinVar variation 665046 (VCV000665046.4).